The following is an entry in ClinVar:

NM_001371623.1(TCOF1):c.4378A>G (p.Lys1460Glu)

Gene: TCOF1 (treacle ribosome biogenesis factor 1; plus strand). Cytogenetic location: 5q32.
Variant type: single nucleotide variant.
Coding change: c.4378A>G on transcript NM_001371623.1 (MANE Select); coding-DNA position 4378, A replaced by G.
Protein change: p.Lys1460Glu; replaces lysine 1460 with glutamic acid.
Molecular consequence: missense variant.
Genome position (GRCh38, 1-based): chr5:150,398,386, A>G. VCF-style: chr5-150398386-A-G. GRCh37 (hg19) VCF-style: chr5-149777949-A-G.
Other names: c.4144A>G, p.Lys1382Glu (NM_000356.4); c.4375A>G, p.Lys1459Glu (NM_001135243.2); c.4264A>G, p.Lys1422Glu (NM_001135244.2); c.4147A>G, p.Lys1383Glu (NM_001135245.2); c.4261A>G, p.Lys1421Glu (NM_001195141.2); short protein forms K1382E, K1422E, K1383E, K1421E, K1460E, K1459E.
Identifiers: ClinVar variation 2849148 (VCV002849148.3), dbSNP rs376678372, ClinGen allele CA3511751.

ClinVar aggregate classification (germline): Uncertain significance (1 of 4 stars; one submission).

Conditions:
Treacher Collins syndrome 1 (TCS1). Also called: TCOF1-Related Treacher Collins Syndrome. Identifiers: Orphanet 861, MedGen CN315775, MONDO:0007944, OMIM 154500.

Allele frequency attached by ClinVar (database versions not stated): gnomAD exomes below 0.00001; TOPMed below 0.00001; gnomAD 0.00001; ExAC 0.00002; ESP Exome Variant Server 0.00008.
gnomAD v4.1: 2 of 1,613,746 alleles (0.00012%); highest among the groups gnomAD compares: African/African-American, 0.0013%; no homozygotes.

Submission:

Labcorp Genetics (formerly Invitae), Labcorp
Classification: Uncertain significance for Treacher Collins syndrome 1. Last evaluated: 2023-04-06. Review status: criteria provided, single submitter. Criteria: Invitae Variant Classification Sherloc (09022015). Collection method: clinical testing. Allele origin: germline.
Comment: This sequence change replaces lysine, which is basic and polar, with glutamic acid, which is acidic and polar, at codon 1459 of the TCOF1 protein (p.Lys1459Glu). The frequency data for this variant in the population databases is considered unreliable, as metrics indicate poor data quality at this position in the gnomAD database. This variant has not been reported in the literature in individuals affected with TCOF1-related conditions. Experimental studies and prediction algorithms are not available or were not evaluated, and the functional significance of this variant is currently unknown. In summary, the available evidence is currently insufficient to determine the role of this variant in disease. Therefore, it has been classified as a Variant of Uncertain Significance.